The following is an entry in ClinVar:

NM_001379500.1(COL18A1):c.2979_2988dup (p.Ser997fs)

Genes: COL18A1 (collagen type XVIII alpha 1 chain; plus strand), SLC19A1 (solute carrier family 19 member 1; minus strand). Cytogenetic location: 21q22.3.
Variant type: Duplication.
Coding change: c.2979_2988dup on transcript NM_001379500.1 (MANE Select); coding-DNA positions 2979 to 2988, 10 bases duplicated (AGGGCCCCCT; older notation c.2979_2988dupAGGGCCCCCT).
Protein change: p.Ser997fs; shifts the reading frame from serine 997.
Molecular consequence: frameshift variant.
Genome position (GRCh38, 1-based): chr21:45,505,244-45,505,253, AGGGCCCCCT duplicated. VCF-style (leftmost placement, unchanged base first): chr21-45505243-C-CAGGGCCCCCT. GRCh37 (hg19) VCF-style: chr21-46925157-C-CAGGGCCCCCT.
Other names: c.3510_3519dup, p.Ser1174fs (NM_030582.4); c.4215_4224dup, p.Ser1409fs (NM_130444.3); short protein forms S997fs, S1174fs, S1409fs.
Identifiers: ClinVar variation 1430023 (VCV001430023.6), dbSNP rs2146081689, ClinGen allele CA2573157802.

ClinVar aggregate classification (germline): Pathogenic (1 of 4 stars; one submission).

Submission:

Labcorp Genetics (formerly Invitae), Labcorp
Classification: Pathogenic. Last evaluated: 2021-10-29. Review status: criteria provided, single submitter. Criteria: Invitae Variant Classification Sherloc (09022015). Collection method: clinical testing. Allele origin: germline.
Comment: This variant is not present in population databases (gnomAD no frequency). This sequence change creates a premature translational stop signal (p.Ser994Argfs*93) in the COL18A1 gene. It is expected to result in an absent or disrupted protein product. Loss-of-function variants in COL18A1 are known to be pathogenic (PMID: 12415512, 25456301). This variant has not been reported in the literature in individuals affected with COL18A1-related conditions. For these reasons, this variant has been classified as Pathogenic.

Literature cited by the submitters: PubMed 12415512; PubMed 25456301.